The following is an entry in ClinVar:

NM_000132.4(F8):c.6724-2A>G

Gene: F8 (coagulation factor VIII; minus strand). Cytogenetic location: Xq28.
Variant type: single nucleotide variant.
Coding change: c.6724-2A>G on transcript NM_000132.4 (MANE Select); the canonical splice acceptor site of the intron before coding-DNA position 6724, A replaced by G.
Molecular consequence: splice acceptor variant.
Genome position (GRCh38, 1-based): chrX:154,860,610, T>C on the plus strand (A>G on the coding strand, the complement: F8 is on the minus strand). VCF-style: chrX-154860610-T-C. GRCh37 (hg19) VCF-style: chrX-154088885-T-C.
Other names: c.319-2A>G (NM_019863.3).
Identifiers: ClinVar variation 3347699 (VCV003347699.1).

ClinVar aggregate classification (germline): Pathogenic (0 of 4 stars; one submission).

Conditions:
F8-related disorder. Also called: F8-related condition.

Submission:

PreventionGenetics, part of Exact Sciences
Classification: Pathogenic for F8-related condition. Last evaluated: 2024-08-02. Review status: no assertion criteria provided. Collection method: clinical testing. Allele origin: germline.
Comment: The F8 c.6724-2A>G variant is predicted to disrupt the AG splice acceptor site and interfere with normal splicing. This c.6724-2A>G variant has been reported in individuals with hemophilia A, as well as another change at this position c.6724-2A>T (Table S1, Liang et al. 2015. PubMed ID: 25503412; TableS6, Johnsen et al. 2022. PubMed ID: 35770352). In addition, a different variant affecting this canonical splice acceptor site, c.6724-1G>A, has been shown in RNA studies to cause skipping of exon 25 (Gau et al. 2003. PubMed ID: 12634951). This variant has not been reported in a large population database, indicating this variant is rare. Variants that disrupt the consensus splice acceptor site in F8 are expected to be pathogenic. This variant is interpreted as pathogenic.